The following is an entry in ClinVar:

NM_001376.5(DYNC1H1):c.12623G>T (p.Gly4208Val)

Gene: DYNC1H1 (dynein cytoplasmic 1 heavy chain 1; plus strand). Cytogenetic location: 14q32.31.
Variant type: single nucleotide variant.
Coding change: c.12623G>T on transcript NM_001376.5 (MANE Select); coding-DNA position 12623, G replaced by T.
Protein change: p.Gly4208Val; replaces glycine 4208 with valine.
Molecular consequence: missense variant.
Genome position (GRCh38, 1-based): chr14:102,043,984, G>T. VCF-style: chr14-102043984-G-T. GRCh37 (hg19) VCF-style: chr14-102510321-G-T.
Other names: short protein forms G4208V.
Identifiers: ClinVar variation 3731219 (VCV003731219.1).

ClinVar aggregate classification (germline): Uncertain significance (1 of 4 stars; one submission).

Submission:

GeneDx
Classification: Uncertain significance. Last evaluated: 2024-08-16. Review status: criteria provided, single submitter. Criteria: GeneDx Variant Classification Process June 2021. Collection method: clinical testing. Allele origin: germline. Affected: yes.
Comment: Not observed at significant frequency in large population cohorts (gnomAD); In silico analysis supports that this missense variant has a deleterious effect on protein structure/function; Has not been previously published as pathogenic or benign to our knowledge